The following is an entry in ClinVar:

ClinVar aggregate classification (germline): Uncertain significance (1 of 4 stars; one submission).

Conditions:
Dyskeratosis congenita, autosomal dominant 2. Identifiers: MedGen C3151443, MONDO:0013521, OMIM 613989.
Idiopathic Pulmonary Fibrosis. Also called: Idiopathic fibrosing alveolitis, chronic form; idiopathic fibrosing alveolitis. Identifiers: Orphanet 2032, MedGen C1800706, MeSH D054990, MONDO:0800504.

Submission:

Labcorp Genetics (formerly Invitae), Labcorp
Classification: Uncertain significance for Dyskeratosis congenita, autosomal dominant 2; Idiopathic Pulmonary Fibrosis. Last evaluated: 2021-07-27. Review status: criteria provided, single submitter. Criteria: Invitae Variant Classification Sherloc (09022015). Collection method: clinical testing. Allele origin: germline.
Comment: This variant has not been reported in the literature in individuals affected with TERT-related conditions. In summary, the available evidence is currently insufficient to determine the role of this variant in disease. Therefore, it has been classified as a Variant of Uncertain Significance. Advanced modeling of protein sequence and biophysical properties (such as structural, functional, and spatial information, amino acid conservation, physicochemical variation, residue mobility, and thermodynamic stability) performed at Invitae indicates that this missense variant is expected to disrupt TERT protein function. The frequency data for this variant in the population databases is considered unreliable, as metrics indicate insufficient coverage at this position in the ExAC database. This sequence change replaces aspartic acid with valine at codon 684 of the TERT protein (p.Asp684Val). The aspartic acid residue is moderately conserved and there is a large physicochemical difference between aspartic acid and valine.

NM_198253.3(TERT):c.2051A>T (p.Asp684Val)

Gene: TERT (telomerase reverse transcriptase; minus strand). Cytogenetic location: 5p15.33.
Variant type: single nucleotide variant.
Coding change: c.2051A>T on transcript NM_198253.3 (MANE Select); coding-DNA position 2051, A replaced by T.
Protein change: p.Asp684Val; replaces aspartic acid 684 with valine.
Molecular consequence: missense variant. On other transcripts: non-coding transcript variant (2).
Genome position (GRCh38, 1-based): chr5:1,279,370, T>A on the plus strand (A>T on the coding strand, the complement: TERT is on the minus strand). VCF-style: chr5-1279370-T-A. GRCh37 (hg19) VCF-style: chr5-1279485-T-A.
Other names: c.2051A>T, p.Asp684Val (NM_001193376.3); short protein forms D684V.
Identifiers: ClinVar variation 1370401 (VCV001370401.6), dbSNP rs776981958, ClinGen allele CA359080315.